The following is an entry in ClinVar:

ClinVar aggregate classification (germline): Uncertain significance. Review status: criteria provided, multiple submitters, no conflicts (2 of 4 stars). 2 submissions from 2 submitters: Uncertain significance (2). Last evaluated 2023-05-03.

Conditions:
Inborn genetic diseases. Identifiers: MedGen C0950123, MeSH D030342.

Allele frequency attached by ClinVar (database versions not stated): gnomAD 0.00001; gnomAD exomes 0.00001; ExAC 0.00003.
gnomAD v4.1: 43 of 1,612,162 alleles (0.0027%); highest among the groups gnomAD compares: South Asian, 0.0033%; no homozygotes.

Submissions (2):

Ambry Genetics
Classification: Uncertain significance for Inborn genetic diseases. Last evaluated: 2023-05-03. Review status: criteria provided, single submitter. Criteria: Ambry Variant Classification Scheme 2023. Collection method: clinical testing. Allele origin: germline.

Labcorp Genetics (formerly Invitae), Labcorp
Classification: Uncertain significance. Last evaluated: 2021-08-03. Review status: criteria provided, single submitter. Criteria: Invitae Variant Classification Sherloc (09022015). Collection method: clinical testing. Allele origin: germline.
Comment: In summary, the available evidence is currently insufficient to determine the role of this variant in disease. Therefore, it has been classified as a Variant of Uncertain Significance. Algorithms developed to predict the effect of missense changes on protein structure and function (SIFT, PolyPhen-2, Align-GVGD) all suggest that this variant is likely to be disruptive, but these predictions have not been confirmed by published functional studies and their clinical significance is uncertain. This variant has not been reported in the literature in individuals with NLRP1-related conditions. This variant is present in population databases (rs753102272, ExAC 0.02%). This sequence change replaces threonine with methionine at codon 907 of the NLRP1 protein (p.Thr907Met). The threonine residue is highly conserved and there is a moderate physicochemical difference between threonine and methionine.

NM_033004.4(NLRP1):c.2720C>T (p.Thr907Met)

Gene: NLRP1 (NLR family pyrin domain containing 1; minus strand). Cytogenetic location: 17p13.2.
Variant type: single nucleotide variant.
Coding change: c.2720C>T on transcript NM_033004.4 (MANE Select); coding-DNA position 2720, C replaced by T.
Protein change: p.Thr907Met; replaces threonine 907 with methionine.
Molecular consequence: missense variant.
Genome position (GRCh38, 1-based): chr17:5,539,565, G>A on the plus strand (C>T on the coding strand, the complement: NLRP1 is on the minus strand). VCF-style: chr17-5539565-G-A. GRCh37 (hg19) VCF-style: chr17-5442885-G-A.
Other names: c.2720C>T (NM_033004.3); c.2720C>T, p.Thr907Met (NM_001033053.3, NM_014922.5, NM_033006.4 and 1 more transcripts); short protein forms T907M.
Identifiers: ClinVar variation 1391883 (VCV001391883.9), dbSNP rs753102272, ClinGen allele CA8327068.
Genomic context (GRCh38, chr17:5,539,565, plus strand): 5'-AGCTCCTTCAGGCTGGGGCTGGCACTAAGCACAGAGGCCAGGTCCTGGCAGCAGTCAGAC[G>A]TGAGGCCACAGCTGACCAGCCTGCAGGAAAGATACACGCCAGCCCAGGTCATTGTCCTAA-3'
Protein context (NP_127497.1, residues 897-917): QRLQLVSCGL[Thr907Met]SDCCQDLASV